The following is an entry in ClinVar:

NM_015015.3(KDM4B):c.122A>G (p.His41Arg)

Gene: KDM4B (lysine demethylase 4B; plus strand). Cytogenetic location: 19p13.3.
Variant type: single nucleotide variant.
Coding change: c.122A>G on transcript NM_015015.3 (MANE Select); coding-DNA position 122, A replaced by G.
Protein change: p.His41Arg; replaces histidine 41 with arginine.
Molecular consequence: missense variant.
Genome position (GRCh38, 1-based): chr19:5,033,012, A>G. VCF-style: chr19-5033012-A-G. GRCh37 (hg19) VCF-style: chr19-5033023-A-G.
Other names: c.122A>G, p.His41Arg (NM_001370093.1, NM_001370094.1, NM_001411148.1); short protein forms H41R.
Identifiers: ClinVar variation 3367742 (VCV003367742.1).

ClinVar aggregate classification (germline): Uncertain significance (1 of 4 stars; one submission).

Submission:

GeneDx
Classification: Uncertain significance. Last evaluated: 2024-01-10. Review status: criteria provided, single submitter. Criteria: GeneDx Variant Classification Process June 2021. Collection method: clinical testing. Allele origin: germline. Affected: yes.
Comment: Not observed at significant frequency in large population cohorts (gnomAD); In silico analysis supports that this missense variant has a deleterious effect on protein structure/function; Has not been previously published as pathogenic or benign to our knowledge